The following is an entry in ClinVar:

NM_057175.5(NAA15):c.455T>C (p.Ile152Thr)

Gene: NAA15 (N-alpha-acetyltransferase 15, NatA auxiliary subunit; plus strand). Cytogenetic location: 4q31.1.
Variant type: single nucleotide variant.
Coding change: c.455T>C on transcript NM_057175.5 (MANE Select); coding-DNA position 455, T replaced by C.
Protein change: p.Ile152Thr; replaces isoleucine 152 with threonine.
Molecular consequence: missense variant.
Genome position (GRCh38, 1-based): chr4:139,342,878, T>C. VCF-style: chr4-139342878-T-C. GRCh37 (hg19) VCF-style: chr4-140264032-T-C.
Other names: c.455T>C, p.Ile152Thr (NM_001410842.1); short protein forms I152T.
Identifiers: ClinVar variation 3392622 (VCV003392622.2).

ClinVar aggregate classification (germline): Uncertain significance (1 of 4 stars; one submission).

gnomAD v4.1: 1 of 1,613,734 alleles (0.000062%); highest among the groups gnomAD compares: Non-Finnish European, 0.000085%; no homozygotes.

Submission:

GeneDx
Classification: Uncertain significance. Last evaluated: 2025-11-08. Review status: criteria provided, single submitter. Criteria: GeneDx Variant Classification Process June 2021. Collection method: clinical testing. Allele origin: germline.
Comment: Not observed at significant frequency in large population cohorts (gnomAD); In silico analysis supports that this missense variant has a deleterious effect on protein structure/function; Has not been previously published as pathogenic or benign to our knowledge